The following is an entry in ClinVar:

ClinVar aggregate classification (germline): Likely benign. Review status: criteria provided, multiple submitters, no conflicts (2 of 4 stars). 2 submissions from 2 submitters: Likely benign (2). Last evaluated 2025-06-03.

gnomAD v4.1: 44 of 1,525,988 alleles (0.0029%); highest among the groups gnomAD compares: Middle Eastern, 0.11%; no homozygotes.

Submissions (2):

Labcorp Genetics (formerly Invitae), Labcorp
Classification: Likely benign. Last evaluated: 2025-06-03. Review status: criteria provided, single submitter. Criteria: Invitae Variant Classification Sherloc (09022015). Collection method: clinical testing. Allele origin: germline.

Women's Health and Genetics/Laboratory Corporation of America, LabCorp
Classification: Likely benign. Last evaluated: 2023-11-16. Review status: criteria provided, single submitter. Criteria: LabCorp Variant Classification Summary - May 2015. Collection method: clinical testing. Allele origin: germline.
Comment: Variant summary: CD46 c.988+15T>G alters a conserved nucleotide located at a position not widely known to affect splicing. Consensus agreement among computation tools predict no significant impact on normal splicing. However, these predictions have yet to be confirmed by functional studies. The variant allele was found at a frequency of 2.8e-05 in 250836 control chromosomes. The available data on variant occurrences in the general population are insufficient to allow any conclusion about variant significance. To our knowledge, no occurrence of c.988+15T>G in individuals affected with Genetic Atypical Hemolytic Uremic Syndrome and no experimental evidence demonstrating its impact on protein function have been reported. One submitter has cited clinical-significance assessments for this variant to ClinVar after 2014 and has classified the variant as benign/likely benign. Based on the evidence outlined above, the variant was classified as likely benign.

NM_172351.3(CD46):c.943+15T>G

Gene: CD46 (CD46 molecule; plus strand). Cytogenetic location: 1q32.2.
Variant type: single nucleotide variant.
Coding change: c.943+15T>G on transcript NM_172351.3 (MANE Select); 15 bases into the intron after coding-DNA position 943, T replaced by G.
Molecular consequence: intron variant.
Genome position (GRCh38, 1-based): chr1:207,770,377, T>G. VCF-style: chr1-207770377-T-G. GRCh37 (hg19) VCF-style: chr1-207943722-T-G.
Other names: c.988+15T>G (NM_002389.4, NM_172359.3); c.943+15T>G (NM_153826.4, NM_172358.3); c.901+2554T>G (NM_172355.3, NM_172356.3); c.898+15T>G (NM_172352.3, NM_172353.3, NM_172350.3); c.856+3182T>G (NM_172357.3, NM_172361.3).
Identifiers: ClinVar variation 1898905 (VCV001898905.6), dbSNP rs202039317, ClinGen allele CA1371826.